The following is an entry in ClinVar:

ClinVar aggregate classification (germline): Likely benign (1 of 4 stars; one submission).

Submissions (5):

CeGaT Center for Human Genetics Tuebingen
Classification: Likely benign. Last evaluated: 2026-07-01. Review status: criteria provided, single submitter. Criteria: CeGaT Center For Human Genetics Tuebingen Variant Classification Criteria Version 2. Collection method: clinical testing. Allele origin: germline. Affected: yes. Observed: 1 variant allele.
Comment: FARSB: BP4

Dr. Peter K. Rogan Lab, Western University
No classification provided (evidence only). Condition: Familial cancer of breast. Review status: no classification provided. Collection method: in vitro. Allele origin: not applicable. Functional consequence: retained intron. Not counted in ClinVar's aggregate classification.

Dr. Peter K. Rogan Lab, Western University
No classification provided (evidence only). Condition: Clear cell carcinoma of kidney. Review status: no classification provided. Collection method: in vitro. Allele origin: not applicable. Functional consequence: retained intron. Not counted in ClinVar's aggregate classification.

Dr. Peter K. Rogan Lab, Western University
No classification provided (evidence only). Condition: Clear cell carcinoma of kidney. Review status: no classification provided. Collection method: in vitro. Allele origin: not applicable. Functional consequence: skipped exon. Not counted in ClinVar's aggregate classification.

Dr. Peter K. Rogan Lab, Western University
No classification provided (evidence only). Condition: Uterine corpus endometrial carcinoma. Review status: no classification provided. Collection method: in vitro. Allele origin: not applicable. Functional consequence: retained intron. Not counted in ClinVar's aggregate classification.

NM_005687.5(FARSB):c.1171-4del

Gene: FARSB (phenylalanyl-tRNA synthetase subunit beta; minus strand). Cytogenetic location: 2q36.1.
Variant type: Deletion.
Coding change: c.1171-4del on transcript NM_005687.5 (MANE Select); 4 bases into the intron before coding-DNA position 1171, one base deleted (T; older notation c.1171-4delT).
Molecular consequence: intron variant.
Genome position (GRCh38, 1-based): chr2:222,623,734, A deleted on the plus strand (T on the coding strand, the reverse complement: FARSB is on the minus strand); the first of 9 consecutive A bases (chr2:222,623,734-222,623,742); deleting any one gives the same sequence. VCF-style (leftmost placement, unchanged base first): chr2-222623733-GA-G. GRCh37 (hg19) VCF-style: chr2-223488452-GA-G.
Other names: NC_000002.11:g.223488461del; c.1171-12del (NM_005687.5).
Identifiers: ClinVar variation 4287432 (VCV004287432.2).